The following is an entry in ClinVar:

NM_006648.4(WNK2):c.2317G>A (p.Ala773Thr)

Gene: WNK2 (WNK lysine deficient protein kinase 2; plus strand). Cytogenetic location: 9q22.31.
Variant type: single nucleotide variant.
Coding change: c.2317G>A on transcript NM_006648.4 (MANE Select); coding-DNA position 2317, G replaced by A.
Protein change: p.Ala773Thr; replaces alanine 773 with threonine.
Molecular consequence: missense variant.
Genome position (GRCh38, 1-based): chr9:93,257,074, G>A. VCF-style: chr9-93257074-G-A. GRCh37 (hg19) VCF-style: chr9-96019356-G-A.
Other names: c.2317G>A, p.Ala773Thr (NM_001282394.3); short protein forms A773T.
Identifiers: ClinVar variation 3816452 (VCV003816452.1).
Genomic context (GRCh38, chr9:93,257,074, plus strand): 5'-CAGCCGGTTCCCCCCCACCTGCCACCGTACCTGGCTCCAGCCTCCCAGGTGGGGGCCCCC[G>A]CTCAGCTGAAGCCCCTCCAGATGCCACAGGCGCCCCTGCAGCCGCTTGCTCAAGTCCCTC-3'
Protein context (NP_006639.3, residues 763-783): LAPASQVGAP[Ala773Thr]QLKPLQMPQA

ClinVar aggregate classification (germline): Uncertain significance (1 of 4 stars; one submission).

gnomAD v4.1: 62 of 1,607,160 alleles (0.0039%); highest among the groups gnomAD compares: Admixed American, 0.014%; no homozygotes.

Submission:

Ambry Genetics
Classification: Uncertain significance. Last evaluated: 2024-12-13. Review status: criteria provided, single submitter. Criteria: Ambry Variant Classification Scheme 2023. Collection method: clinical testing. Allele origin: germline.
Comment: The p.A773T variant (also known as c.2317G>A), located in coding exon 10 of the WNK2 gene, results from a G to A substitution at nucleotide position 2317. The alanine at codon 773 is replaced by threonine, an amino acid with similar properties. This amino acid position is conserved. In addition, this alteration is predicted to be tolerated by in silico analysis. Based on the available evidence, the clinical significance of this variant remains unclear.